The following is an entry in ClinVar:

NM_000091.5(COL4A3):c.494T>C (p.Ile165Thr)

Genes: COL4A3 (collagen type IV alpha 3 chain; plus strand), MFF-DT (MFF divergent transcript; minus strand). Cytogenetic location: 2q36.3.
Variant type: single nucleotide variant.
Coding change: c.494T>C on transcript NM_000091.5 (MANE Select); coding-DNA position 494, T replaced by C.
Protein change: p.Ile165Thr; replaces isoleucine 165 with threonine.
Molecular consequence: missense variant.
Genome position (GRCh38, 1-based): chr2:227,248,468, T>C. VCF-style: chr2-227248468-T-C. GRCh37 (hg19) VCF-style: chr2-228113184-T-C.
Other names: short protein forms I165T.
Identifiers: ClinVar variation 930184 (VCV000930184.20), dbSNP rs144036466, ClinGen allele CA2146172.
Genomic context (GRCh38, chr2:227,248,468, plus strand): 5'-ATTGATGATGTTTGATGAACTTCTTCATTTTCAAGGGTGCTCCTGCTAAAGAAGAAGATA[T>C]AGAACTTGATGCAAAAGGCGACCCCGGGTTGCCAGGGGCTCCAGGACCCCAGGTACAGCA-3'
Protein context (NP_000082.2, residues 155-175): QKGAPAKEED[Ile165Thr]ELDAKGDPGL

ClinVar aggregate classification (germline): Conflicting classifications of pathogenicity. Review status: criteria provided, conflicting classifications (1 of 4 stars). 5 submissions from 5 submitters: Uncertain significance (4); Likely benign (1). Last evaluated 2026-07-06.

Conditions:
COL4A3-related disorder. Also called: COL4A3-related condition; COL4A3-Related Disorders.
Alport syndrome. Also called: Hemorrhagic familial nephritis; Hemorrhagic hereditary nephritis; Congenital hereditary hematuria. Identifiers: Orphanet 63, MedGen C1567741, MONDO:0018965.

Allele frequency attached by ClinVar (database versions not stated): gnomAD exomes 0.00007 and 0.00003; gnomAD 0.00009; ESP Exome Variant Server 0.00017; TOPMed 0.00017; 1000 Genomes Project 0.00020; 1000 Genomes Project 30x 0.00031; ExAC 0.00007.
gnomAD v4.1: 53 of 1,612,884 alleles (0.0033%); highest among the groups gnomAD compares: African/African-American, 0.027%; no homozygotes.

Submissions (5):

PreventionGenetics, part of Exact Sciences
Classification: Uncertain significance for COL4A3-related condition. Last evaluated: 2026-07-06. Review status: criteria provided, single submitter. Criteria: ACMG Guidelines, 2015. Collection method: clinical testing. Allele origin: germline.
Comment: The COL4A3 c.494T>C variant is predicted to result in the amino acid substitution p.Ile165Thr. This variant was reported in an individual with retinal/optic nerve disease (Table S12, Diñeiro et al. 2020. PubMed ID: 32483926). This variant is reported in 0.037% of alleles in individuals of African descent in gnomAD. At this time, the clinical significance of this variant is uncertain due to the absence of conclusive functional and genetic evidence.

GeneDx
Classification: Uncertain significance. Last evaluated: 2025-07-15. Review status: criteria provided, single submitter. Criteria: GeneDx Variant Classification Process June 2021. Collection method: clinical testing. Allele origin: germline. Affected: yes.
Comment: Identified in a patient with ocular abnormalities leading to blindness in published literature, however, the specific phenotype was not reported (PMID: 32483926); Occurs in the triple helical domain within an interruption of the canonical Gly-X-Y repeat; In silico analysis suggests that this missense variant does not alter protein structure/function; This variant is associated with the following publications: (PMID: 32483926)

Labcorp Genetics (formerly Invitae), Labcorp
Classification: Likely benign. Last evaluated: 2025-06-12. Review status: criteria provided, single submitter. Criteria: Invitae Variant Classification Sherloc (09022015). Collection method: clinical testing. Allele origin: germline.

Blueprint Genetics
Classification: Uncertain significance. Last evaluated: 2020-03-06. Review status: criteria provided, single submitter. Criteria: ACMG Guidelines, 2015. Collection method: clinical testing. Allele origin: germline.

UNC Molecular Genetics  Laboratory, University of North Carolina at Chapel Hill
Classification: Uncertain significance for Alport syndrome. Last evaluated: 2020-02-20. Review status: criteria provided, single submitter. Criteria: ACMG Guidelines, 2015. Collection method: clinical testing. Allele origin: germline. Affected: yes. Observed: 1 heterozygote.